The following is an entry in ClinVar:

NM_000334.4(SCN4A):c.2644C>A (p.Pro882Thr)

Genes: GH-LCR (growth hormone locus control region; plus strand), SCN4A (sodium voltage-gated channel alpha subunit 4; minus strand). Cytogenetic location: 17q23.3.
Variant type: single nucleotide variant.
Coding change: c.2644C>A on transcript NM_000334.4 (MANE Select); coding-DNA position 2644, C replaced by A.
Protein change: p.Pro882Thr; replaces proline 882 with threonine.
Molecular consequence: missense variant.
Genome position (GRCh38, 1-based): chr17:63,951,633, G>T on the plus strand (C>A on the coding strand, the complement: SCN4A is on the minus strand). VCF-style: chr17-63951633-G-T. GRCh37 (hg19) VCF-style: chr17-62028993-G-T.
Other names: short protein forms P882T.
Identifiers: ClinVar variation 3677070 (VCV003677070.2).
Genomic context (GRCh38, chr17:63,951,633, plus strand): 5'-CGTCAGCCAGGCCCATGTGGTTCAGGATGTGATTGTCCTTCTTCAGGTCCTCCTCGGGCG[G>T]CTCCTTCTTCTCATCCTCGGGGGCAGTCTCCCCCGCCTCTCCAGCCTCCCCGGCCCCGTC-3'
Protein context (NP_000325.4, residues 872-892): ETAPEDEKKE[Pro882Thr]PEEDLKKDNH

ClinVar aggregate classification (germline): Uncertain significance (1 of 4 stars; one submission).

Conditions:
Hyperkalemic periodic paralysis. Also called: Familial hyperkalemic periodic paralysis; Gamstorp disease. Identifiers: Orphanet 682, MedGen C0238357, MONDO:0008224, OMIM 170500, HP:0007215.

gnomAD v4.1: 5 of 1,612,066 alleles (0.00031%); highest among the groups gnomAD compares: Non-Finnish European, 0.000085%; no homozygotes.

Submission:

Labcorp Genetics (formerly Invitae), Labcorp
Classification: Uncertain significance for Hyperkalemic periodic paralysis. Last evaluated: 2024-11-30. Review status: criteria provided, single submitter. Criteria: Invitae Variant Classification Sherloc (09022015). Collection method: clinical testing. Allele origin: germline.
Comment: This sequence change replaces proline, which is neutral and non-polar, with threonine, which is neutral and polar, at codon 882 of the SCN4A protein (p.Pro882Thr). The frequency data for this variant in the population databases is considered unreliable, as metrics indicate poor data quality at this position in the gnomAD database. This variant has not been reported in the literature in individuals affected with SCN4A-related conditions. Invitae Evidence Modeling of protein sequence and biophysical properties (such as structural, functional, and spatial information, amino acid conservation, physicochemical variation, residue mobility, and thermodynamic stability) indicates that this missense variant is not expected to disrupt SCN4A protein function with a negative predictive value of 95%. In summary, the available evidence is currently insufficient to determine the role of this variant in disease. Therefore, it has been classified as a Variant of Uncertain Significance.